The following is an entry in ClinVar:

ClinVar aggregate classification (germline): Uncertain significance (1 of 4 stars; one submission).

Conditions:
Charcot-Marie-Tooth disease type 4. Also called: Charcot-Marie-Tooth disease, type IV; Charcot-Marie-Tooth, Type 4. Identifiers: Orphanet 64749, MedGen C4082197, MONDO:0018995.

Allele frequency attached by ClinVar (database versions not stated): ExAC 0.00001; gnomAD 0.00001; gnomAD exomes 0.00001; 1000 Genomes Project 30x 0.00016; 1000 Genomes Project 0.00020.
gnomAD v4.1: 7 of 1,614,178 alleles (0.00043%); highest among the groups gnomAD compares: East Asian, 0.0022%; no homozygotes.

Submission:

Labcorp Genetics (formerly Invitae), Labcorp
Classification: Uncertain significance for Charcot-Marie-Tooth disease type 4. Last evaluated: 2022-02-20. Review status: criteria provided, single submitter. Criteria: Invitae Variant Classification Sherloc (09022015). Collection method: clinical testing. Allele origin: germline.
Comment: This sequence change replaces tyrosine, which is neutral and polar, with cysteine, which is neutral and slightly polar, at codon 1777 of the SBF2 protein (p.Tyr1777Cys). This variant is present in population databases (rs185926762, gnomAD 0.0009%). This variant has not been reported in the literature in individuals affected with SBF2-related conditions. Algorithms developed to predict the effect of missense changes on protein structure and function are either unavailable or do not agree on the potential impact of this missense change (SIFT: "Deleterious"; PolyPhen-2: "Probably Damaging"; Align-GVGD: "Class C0"). Algorithms developed to predict the effect of sequence changes on RNA splicing suggest that this variant may create or strengthen a splice site. In summary, the available evidence is currently insufficient to determine the role of this variant in disease. Therefore, it has been classified as a Variant of Uncertain Significance.

NM_030962.4(SBF2):c.5330A>G (p.Tyr1777Cys)

Genes: SBF2 (SET binding factor 2; minus strand), SBF2-AS1 (SBF2 antisense RNA 1; plus strand), LOC105369149 (uncharacterized LOC105369149; plus strand). Cytogenetic location: 11p15.4.
Variant type: single nucleotide variant.
Coding change: c.5330A>G on transcript NM_030962.4 (MANE Select); coding-DNA position 5330, A replaced by G.
Protein change: p.Tyr1777Cys; replaces tyrosine 1777 with cysteine.
Molecular consequence: missense variant.
Genome position (GRCh38, 1-based): chr11:9,781,628, T>C on the plus strand (A>G on the coding strand, the complement: SBF2 is on the minus strand). VCF-style: chr11-9781628-T-C. GRCh37 (hg19) VCF-style: chr11-9803175-T-C.
Other names: c.5426A>G, p.Tyr1809Cys (NM_001386339.1); c.5201A>G, p.Tyr1734Cys (NM_001386342.1); short protein forms Y1734C, Y1809C, Y1777C.
Identifiers: ClinVar variation 1404745 (VCV001404745.6), dbSNP rs185926762, ClinGen allele CA5880724.